The following is an entry in ClinVar:

NM_182961.4(SYNE1):c.17597A>C (p.Glu5866Ala)

Gene: SYNE1 (spectrin repeat containing nuclear envelope protein 1; minus strand). Cytogenetic location: 6q25.2.
Variant type: single nucleotide variant.
Coding change: c.17597A>C on transcript NM_182961.4 (MANE Select); coding-DNA position 17597, A replaced by C.
Protein change: p.Glu5866Ala; replaces glutamic acid 5866 with alanine.
Molecular consequence: missense variant.
Genome position (GRCh38, 1-based): chr6:152,300,726, T>G on the plus strand (A>C on the coding strand, the complement: SYNE1 is on the minus strand). VCF-style: chr6-152300726-T-G. GRCh37 (hg19) VCF-style: chr6-152621861-T-G.
Other names: c.17384A>C, p.Glu5795Ala (NM_033071.5); short protein forms E5795A, E5866A.
Identifiers: ClinVar variation 1945930 (VCV001945930.5), dbSNP rs748932442, ClinGen allele CA4055185.

ClinVar aggregate classification (germline): Uncertain significance (1 of 4 stars; one submission).

Conditions:
Emery-Dreifuss muscular dystrophy 4, autosomal dominant (EDMD4). Also called: EMERY-DREIFUSS MUSCULAR DYSTROPHY 4 WITH VARIABLE FEATURES. Identifiers: Orphanet 261, MedGen C2751807, MONDO:0013071, OMIM 612998.
Autosomal recessive ataxia, Beauce type. Also called: SYNE1 Deficiency; Spinocerebellar ataxia, autosomal recessive 8; ATAXIA, RECESSIVE, OF BEAUCE; SYNE1-Related Autosomal Recessive Cerebellar Ataxia. Identifiers: Orphanet 88644, MedGen C1853116, MONDO:0012549, OMIM 610743.

Allele frequency attached by ClinVar (database versions not stated): gnomAD exomes below 0.00001; TOPMed 0.00001; ExAC 0.00002; gnomAD 0.00002.
gnomAD v4.1: 10 of 1,614,028 alleles (0.00062%); highest among the groups gnomAD compares: East Asian, 0.02%; no homozygotes.

Submission:

Labcorp Genetics (formerly Invitae), Labcorp
Classification: Uncertain significance for Emery-Dreifuss muscular dystrophy 4, autosomal dominant; Autosomal recessive ataxia, Beauce type. Last evaluated: 2022-04-22. Review status: criteria provided, single submitter. Criteria: Invitae Variant Classification Sherloc (09022015). Collection method: clinical testing. Allele origin: germline.
Comment: This variant has not been reported in the literature in individuals affected with SYNE1-related conditions. This variant is present in population databases (rs748932442, gnomAD 0.05%). This sequence change replaces glutamic acid, which is acidic and polar, with alanine, which is neutral and non-polar, at codon 5795 of the SYNE1 protein (p.Glu5795Ala). Algorithms developed to predict the effect of missense changes on protein structure and function (SIFT, PolyPhen-2, Align-GVGD) all suggest that this variant is likely to be disruptive. In summary, the available evidence is currently insufficient to determine the role of this variant in disease. Therefore, it has been classified as a Variant of Uncertain Significance.